The following is an entry in ClinVar:

ClinVar aggregate classification (germline): Uncertain significance. Review status: criteria provided, multiple submitters, no conflicts (2 of 4 stars). 3 submissions from 3 submitters: Uncertain significance (3). Last evaluated 2025-05-31.

Conditions:
Nijmegen breakage syndrome-like disorder (NBSLD). Also called: MICROCEPHALY AND SPONTANEOUS CHROMOSOME INSTABILITY WITHOUT IMMUNODEFICIENCY; NBS-LIKE DISORDER; RAD50 DEFICIENCY. Identifiers: Orphanet 240760, MedGen C2751318, MONDO:0013118, OMIM 613078.
Hereditary cancer-predisposing syndrome. Also called: Neoplastic Syndromes, Hereditary; Tumor predisposition; Hereditary Cancer Syndrome; Hereditary neoplastic syndrome. Identifiers: Orphanet 140162, MedGen C0027672, MeSH D009386, MONDO:0015356.

Allele frequency attached by ClinVar (database versions not stated): ExAC 0.00001; gnomAD exomes 0.00001; TOPMed 0.00001.
gnomAD v4.1: 8 of 1,599,436 alleles (0.0005%); highest among the groups gnomAD compares: Middle Eastern, 0.033%; no homozygotes.

Submissions (3):

Ambry Genetics
Classification: Uncertain significance for Hereditary cancer-predisposing syndrome. Last evaluated: 2025-05-31. Review status: criteria provided, single submitter. Criteria: Ambry Variant Classification Scheme 2023. Collection method: clinical testing. Allele origin: germline.
Comment: The p.M735K variant (also known as c.2204T>A), located in coding exon 13 of the RAD50 gene, results from a T to A substitution at nucleotide position 2204. The methionine at codon 735 is replaced by lysine, an amino acid with similar properties. This amino acid position is not well conserved in available vertebrate species. In addition, this alteration is predicted to be tolerated by in silico analysis. Since supporting evidence is limited at this time, the clinical significance of this alteration remains unclear.

Labcorp Genetics (formerly Invitae), Labcorp
Classification: Uncertain significance for Hereditary cancer-predisposing syndrome. Last evaluated: 2025-01-22. Review status: criteria provided, single submitter. Criteria: Invitae Variant Classification Sherloc (09022015). Collection method: clinical testing. Allele origin: germline.
Comment: This sequence change replaces methionine, which is neutral and non-polar, with lysine, which is basic and polar, at codon 735 of the RAD50 protein (p.Met735Lys). This variant is present in population databases (rs757043253, gnomAD 0.003%). This variant has not been reported in the literature in individuals affected with RAD50-related conditions. ClinVar contains an entry for this variant (Variation ID: 231966). Invitae Evidence Modeling of protein sequence and biophysical properties (such as structural, functional, and spatial information, amino acid conservation, physicochemical variation, residue mobility, and thermodynamic stability) indicates that this missense variant is not expected to disrupt RAD50 protein function with a negative predictive value of 80%. In summary, the available evidence is currently insufficient to determine the role of this variant in disease. Therefore, it has been classified as a Variant of Uncertain Significance.

Fulgent Genetics
Classification: Uncertain significance for Nijmegen breakage syndrome-like disorder. Last evaluated: 2018-10-31. Review status: criteria provided, single submitter. Criteria: ACMG Guidelines, 2015. Collection method: clinical testing. Allele origin: unknown.

NM_005732.4(RAD50):c.2204T>A (p.Met735Lys)

Gene: RAD50 (RAD50 double strand break repair protein; plus strand). Cytogenetic location: 5q31.1.
Variant type: single nucleotide variant.
Coding change: c.2204T>A on transcript NM_005732.4 (MANE Select); coding-DNA position 2204, T replaced by A.
Protein change: p.Met735Lys; replaces methionine 735 with lysine.
Molecular consequence: missense variant.
Genome position (GRCh38, 1-based): chr5:132,595,807, T>A. VCF-style: chr5-132595807-T-A. GRCh37 (hg19) VCF-style: chr5-131931499-T-A.
Other names: short protein forms M735K.
Identifiers: ClinVar variation 231966 (VCV000231966.17), dbSNP rs757043253, ClinGen allele CA3405340.